The following is an entry in ClinVar:

NM_022124.6(CDH23):c.8111C>G (p.Thr2704Ser)

Gene: CDH23 (cadherin related 23; plus strand). Cytogenetic location: 10q22.1.
Variant type: single nucleotide variant.
Coding change: c.8111C>G on transcript NM_022124.6 (MANE Select); coding-DNA position 8111, C replaced by G.
Protein change: p.Thr2704Ser; replaces threonine 2704 with serine.
Molecular consequence: missense variant.
Genome position (GRCh38, 1-based): chr10:71,806,214, C>G. VCF-style: chr10-71806214-C-G. GRCh37 (hg19) VCF-style: chr10-73565971-C-G.
Other names: c.1391C>G, p.Thr464Ser (NM_001171933.1, NM_001171934.1); short protein forms T2704S, T464S.
Identifiers: ClinVar variation 3391554 (VCV003391554.2).

ClinVar aggregate classification (germline): Uncertain significance. Review status: criteria provided, single submitter (1 of 4 stars). 2 submissions from 2 submitters: Uncertain significance (1). 1 of the submissions does not count toward it. Last evaluated 2024-06-18.

Conditions:
Usher syndrome type 1 (USH1). Also called: RETINITIS PIGMENTOSA AND CONGENITAL DEAFNESS. Identifiers: Orphanet 231169, Orphanet 886, MedGen C1568247, MONDO:0010168, OMIM 276900.

gnomAD v4.1: 9 of 1,579,796 alleles (0.00057%); highest among the groups gnomAD compares: African/African-American, 0.0013%; no homozygotes.

Submissions (2):

GeneDx
Classification: Uncertain significance. Last evaluated: 2024-06-18. Review status: criteria provided, single submitter. Criteria: GeneDx Variant Classification Process June 2021. Collection method: clinical testing. Allele origin: germline. Affected: yes.
Comment: Not observed at significant frequency in large population cohorts (gnomAD); In silico analysis indicates that this missense variant does not alter protein structure/function; Has not been previously published as pathogenic or benign to our knowledge

Natera, Inc.
Classification: Uncertain significance for Usher syndrome type 1. Last evaluated: 2025-04-25. Review status: no assertion criteria provided. Collection method: clinical testing. Allele origin: germline. Not counted in ClinVar's aggregate classification.